The following is an entry in ClinVar:

NM_001009944.3(PKD1):c.10532_10535dup (p.Leu3513fs)

Genes: PKD1 (polycystin 1, transient receptor potential channel interacting; minus strand), PKD1-AS1 (PKD1 antisense RNA 1; plus strand). Cytogenetic location: 16p13.3.
Variant type: Duplication.
Coding change: c.10532_10535dup on transcript NM_001009944.3 (MANE Select); coding-DNA positions 10532 to 10535, 4 bases duplicated (TGGC; older notation c.10532_10535dupTGGC).
Protein change: p.Leu3513fs; shifts the reading frame from leucine 3513.
Molecular consequence: frameshift variant.
Genome position (GRCh38, 1-based): chr16:2,094,175-2,094,178, GCCA duplicated on the plus strand (TGGC on the coding strand, the reverse complement: PKD1 is on the minus strand); duplicating any 4 consecutive bases within chr16:2,094,175-2,094,180 gives the same sequence; the c. name uses the placement nearest the transcript's 3' end. VCF-style (leftmost placement, unchanged base first): chr16-2094174-C-CGCCA. GRCh37 (hg19) VCF-style: chr16-2144175-C-CGCCA.
Other names: c.10529_10532dup, p.Leu3512fs (NM_000296.4); c.10532_10535dupTGGC (NM_001009944.2); short protein forms L3512fs, L3513fs.
Identifiers: ClinVar variation 4992002 (VCV004992002.1).

ClinVar aggregate classification (germline): Likely pathogenic (1 of 4 stars; one submission).

Conditions:
PKD1-related disorder. Also called: PKD1-related condition.

Submission:

PreventionGenetics, part of Exact Sciences
Classification: Likely pathogenic for PKD1-related condition. Last evaluated: 2025-10-06. Review status: criteria provided, single submitter. Criteria: ACMG Guidelines, 2015. Collection method: clinical testing. Allele origin: germline.
Comment: The PKD1 c.10532_10535dupTGGC variant is predicted to result in a frameshift and premature protein termination (p.Leu3513Glyfs*115). To our knowledge, this variant has not been reported in the literature or in a large population database (gnomAD), indicating this variant is rare. Frameshift variants in PKD1 are expected to be pathogenic. This variant is interpreted as likely pathogenic.